The following is an entry in ClinVar:

NM_032444.4(SLX4):c.2005C>T (p.Arg669Cys)

Gene: SLX4 (SLX4 structure-specific endonuclease subunit; minus strand). Cytogenetic location: 16p13.3.
Variant type: single nucleotide variant.
Coding change: c.2005C>T on transcript NM_032444.4 (MANE Select); coding-DNA position 2005, C replaced by T.
Protein change: p.Arg669Cys; replaces arginine 669 with cysteine.
Molecular consequence: missense variant.
Genome position (GRCh38, 1-based): chr16:3,595,613, G>A on the plus strand (C>T on the coding strand, the complement: SLX4 is on the minus strand). VCF-style: chr16-3595613-G-A. GRCh37 (hg19) VCF-style: chr16-3645614-G-A.
Other names: c.2005C>T (LRG_503t1); short protein forms R669C.
Identifiers: ClinVar variation 436783 (VCV000436783.9), dbSNP rs375524355, ClinGen allele CA7866338.
Genomic context (GRCh38, chr16:3,595,613, plus strand): 5'-TGGCAAGTGGGATGGCCGGGACCAGAGAGCGCGGGCCAGAGCCAGTTCTTACCAAGGTGC[G>A]GCCGCCCCTGTCCGGGTGCTTGTCCTGCGATGGCACCACAAACCCAGTCAGAGGAAGGCC-3'
Protein context (NP_115820.2, residues 659-679): SQDKHPDRGG[Arg669Cys]TLLSLGLLVA

ClinVar aggregate classification (germline): Uncertain significance. Review status: criteria provided, multiple submitters, no conflicts (2 of 4 stars). 3 submissions from 3 submitters: Uncertain significance (3). Last evaluated 2024-05-21.

Conditions:
Fanconi anemia (FA). Also called: Fanconi's anemia. Identifiers: Orphanet 84, MedGen C0015625, MeSH D005199, MONDO:0019391.

Allele frequency attached by ClinVar (database versions not stated): ExAC 0.00004; TOPMed 0.00005; gnomAD 0.00007; gnomAD exomes 0.00007; ESP Exome Variant Server 0.00008.
gnomAD v4.1: 59 of 1,613,614 alleles (0.0037%); highest among the groups gnomAD compares: African/African-American, 0.012%; no homozygotes.

Submissions (3):

GeneDx
Classification: Uncertain significance. Last evaluated: 2024-05-21. Review status: criteria provided, single submitter. Criteria: GeneDx Variant Classification Process June 2021. Collection method: clinical testing. Allele origin: germline. Affected: yes.
Comment: In silico analysis indicates that this missense variant does not alter protein structure/function; Has not been previously published as pathogenic or benign to our knowledge

Labcorp Genetics (formerly Invitae), Labcorp
Classification: Uncertain significance for Fanconi anemia. Last evaluated: 2022-10-13. Review status: criteria provided, single submitter. Criteria: Invitae Variant Classification Sherloc (09022015). Collection method: clinical testing. Allele origin: germline.
Comment: This sequence change replaces arginine, which is basic and polar, with cysteine, which is neutral and slightly polar, at codon 669 of the SLX4 protein (p.Arg669Cys). This variant is present in population databases (rs375524355, gnomAD 0.1%). This variant has not been reported in the literature in individuals affected with SLX4-related conditions. ClinVar contains an entry for this variant (Variation ID: 436783). Algorithms developed to predict the effect of missense changes on protein structure and function are either unavailable or do not agree on the potential impact of this missense change (SIFT: "Tolerated"; PolyPhen-2: "Possibly Damaging"; Align-GVGD: "Class C0"). In summary, the available evidence is currently insufficient to determine the role of this variant in disease. Therefore, it has been classified as a Variant of Uncertain Significance.

Genetic Services Laboratory, University of Chicago
Classification: Uncertain significance. Last evaluated: 2016-10-14. Review status: criteria provided, single submitter. Criteria: ACMG Guidelines, 2015. Collection method: clinical testing. Allele origin: germline. Affected: no.